The following is an entry in ClinVar:

ClinVar aggregate classification (germline): Uncertain significance (1 of 4 stars; one submission).

Conditions:
Leber congenital amaurosis 4 (LCA4). Identifiers: MedGen C1858386, MONDO:0011458, OMIM 604393.

Allele frequency attached by ClinVar (database versions not stated): ExAC 0.00001; gnomAD exomes 0.00001.
gnomAD v4.1: 11 of 1,613,366 alleles (0.00068%); highest among the groups gnomAD compares: South Asian, 0.0055%; no homozygotes.

Submission:

Labcorp Genetics (formerly Invitae), Labcorp
Classification: Uncertain significance for Leber congenital amaurosis 4. Last evaluated: 2022-03-10. Review status: criteria provided, single submitter. Criteria: Invitae Variant Classification Sherloc (09022015). Collection method: clinical testing. Allele origin: germline.
Comment: This sequence change falls in intron 5 of the AIPL1 gene. It does not directly change the encoded amino acid sequence of the AIPL1 protein. It affects a nucleotide within the consensus splice site. This variant is present in population databases (rs761471244, gnomAD 0.006%). This variant has not been reported in the literature in individuals affected with AIPL1-related conditions. Variants that disrupt the consensus splice site are a relatively common cause of aberrant splicing (PMID: 17576681, 9536098). Algorithms developed to predict the effect of sequence changes on RNA splicing suggest that this variant is not likely to affect RNA splicing. In summary, the available evidence is currently insufficient to determine the role of this variant in disease. Therefore, it has been classified as a Variant of Uncertain Significance.

Literature cited by the submitters: PubMed 17576681; PubMed 9536098.

NM_014336.5(AIPL1):c.784+6C>T

Gene: AIPL1 (AIP like 1 HSP90 co-chaperone; minus strand). Cytogenetic location: 17p13.2.
Variant type: single nucleotide variant.
Coding change: c.784+6C>T on transcript NM_014336.5 (MANE Select); 6 bases into the intron after coding-DNA position 784, C replaced by T.
Molecular consequence: intron variant. On other transcripts: missense variant (1).
Genome position (GRCh38, 1-based): chr17:6,426,609, G>A on the plus strand (C>T on the coding strand, the complement: AIPL1 is on the minus strand). VCF-style: chr17-6426609-G-A. GRCh37 (hg19) VCF-style: chr17-6329929-G-A.
Other names: c.766C>T, p.Arg256Trp (NM_001285403.4); c.604+6C>T (NM_001033055.3); c.718+6C>T (NM_001285400.3); c.748+6C>T (NM_001285399.3); c.595+6C>T (NM_001033054.3); c.712+6C>T (NM_001285401.3); c.667+6C>T (NM_001285402.2); short protein forms R256W.
Identifiers: ClinVar variation 1505916 (VCV001505916.3), dbSNP rs761471244, ClinGen allele CA8328401.